The following is an entry in ClinVar:

ClinVar aggregate classification (germline): Uncertain significance. Review status: criteria provided, multiple submitters, no conflicts (2 of 4 stars). 2 submissions from 2 submitters: Uncertain significance (2). Last evaluated 2024-06-26.

Conditions:
Inborn genetic diseases. Identifiers: MedGen C0950123, MeSH D030342.

Allele frequency attached by ClinVar (database versions not stated): gnomAD 0.00003; gnomAD exomes 0.00011; ExAC 0.00019.
gnomAD v4.1: 160 of 1,613,632 alleles (0.0099%); highest among the groups gnomAD compares: South Asian, 0.17%; 1 homozygote.

Submissions (2):

Ambry Genetics
Classification: Uncertain significance for Inborn genetic diseases. Last evaluated: 2024-06-26. Review status: criteria provided, single submitter. Criteria: Ambry Variant Classification Scheme 2023. Collection method: clinical testing. Allele origin: germline.

Labcorp Genetics (formerly Invitae), Labcorp
Classification: Uncertain significance. Last evaluated: 2022-01-17. Review status: criteria provided, single submitter. Criteria: Invitae Variant Classification Sherloc (09022015). Collection method: clinical testing. Allele origin: germline.
Comment: This sequence change replaces asparagine, which is neutral and polar, with isoleucine, which is neutral and non-polar, at codon 301 of the CEP63 protein (p.Asn301Ile). This variant is present in population databases (rs750447493, gnomAD 0.2%). This variant has not been reported in the literature in individuals affected with CEP63-related conditions. Algorithms developed to predict the effect of missense changes on protein structure and function are either unavailable or do not agree on the potential impact of this missense change (SIFT: "Deleterious"; PolyPhen-2: "Benign"; Align-GVGD: "Class C15"). In summary, the available evidence is currently insufficient to determine the role of this variant in disease. Therefore, it has been classified as a Variant of Uncertain Significance.

NM_001353108.3(CEP63):c.902A>T (p.Asn301Ile)

Gene: CEP63 (centrosomal protein 63; plus strand). Cytogenetic location: 3q22.2.
Variant type: single nucleotide variant.
Coding change: c.902A>T on transcript NM_001353108.3 (MANE Select); coding-DNA position 902, A replaced by T.
Protein change: p.Asn301Ile; replaces asparagine 301 with isoleucine.
Molecular consequence: missense variant. On other transcripts: non-coding transcript variant (4).
Genome position (GRCh38, 1-based): chr3:134,546,261, A>T. VCF-style: chr3-134546261-A-T. GRCh37 (hg19) VCF-style: chr3-134265103-A-T.
Other names: c.902A>T, p.Asn301Ile (NM_001042383.2, NM_001042384.2, NM_001042400.3 and 13 more transcripts); c.929A>T, p.Asn310Ile (NM_001353118.1); c.818A>T, p.Asn273Ile (NM_001353125.2); c.539A>T, p.Asn180Ile (NM_001353126.2); c.902A>T (NM_025180.3); short protein forms N273I, N310I, N301I, N180I.
Identifiers: ClinVar variation 1900350 (VCV001900350.3), dbSNP rs750447493, ClinGen allele CA2628510.
Genomic context (GRCh38, chr3:134,546,261, plus strand): 5'-ATCTCATACATGAGGCCAGAATACAAAAGGAGAAGTTACAAGAAAAAGTAAAGGCAACTA[A>T]CACTCAACATGCTGTAGAAGCTATAAGGTAAATTTAATCTTAAATATTATTCATCTTAGC-3'
Protein context (NP_001340037.1, residues 291-311): EKLQEKVKAT[Asn301Ile]TQHAVEAIRP